The following is an entry in ClinVar:

NM_033380.3(COL4A5):c.4568C>G (p.Pro1523Arg)

Gene: COL4A5 (collagen type IV alpha 5 chain; plus strand). Cytogenetic location: Xq22.3.
Variant type: single nucleotide variant.
Coding change: c.4568C>G on transcript NM_033380.3 (MANE Select); coding-DNA position 4568, C replaced by G.
Protein change: p.Pro1523Arg; replaces proline 1523 with arginine.
Molecular consequence: missense variant.
Genome position (GRCh38, 1-based): chrX:108,692,787, C>G. VCF-style: chrX-108692787-C-G. GRCh37 (hg19) VCF-style: chrX-107936017-C-G.
Other names: c.4550C>G, p.Pro1517Arg (NM_000495.5); short protein forms P1523R, P1517R.
Identifiers: ClinVar variation 804589 (VCV000804589.10), dbSNP rs1603326447, ClinGen allele CA413855368.

ClinVar aggregate classification (germline): Uncertain significance. Review status: criteria provided, multiple submitters, no conflicts (2 of 4 stars). 2 submissions from 2 submitters: Uncertain significance (2). Last evaluated 2020-02-18.

Submissions (2):

Labcorp Genetics (formerly Invitae), Labcorp
Classification: Uncertain significance. Last evaluated: 2020-02-18. Review status: criteria provided, single submitter. Criteria: Invitae Variant Classification Sherloc (09022015). Collection method: clinical testing. Allele origin: germline.
Comment: In summary, the available evidence is currently insufficient to determine the role of this variant in disease. Therefore, it has been classified as a Variant of Uncertain Significance. This variant disrupts the p.Pro1517 amino acid residue in COL4A5. Other variant(s) that disrupt this residue have been observed in individuals with COL4A5-related conditions (PMID: 8406498, 9452056, 28780565), which suggests that this may be a clinically significant amino acid residue. Algorithms developed to predict the effect of missense changes on protein structure and function (SIFT, PolyPhen-2, Align-GVGD) all suggest that this variant is likely to be disruptive, but these predictions have not been confirmed by published functional studies and their clinical significance is uncertain. This variant has been observed in individual(s) with clinical features of Alport syndrome (Invitae). This variant is not present in population databases (ExAC no frequency). This sequence change replaces proline with arginine at codon 1517 of the COL4A5 protein (p.Pro1517Arg). The proline residue is highly conserved and there is a moderate physicochemical difference between proline and arginine.

Athena Diagnostics
Classification: Uncertain significance. Last evaluated: 2019-03-26. Review status: criteria provided, single submitter. Criteria: Athena Diagnostics Criteria. Collection method: clinical testing. Allele origin: germline.

Literature cited by the submitters: PubMed 8406498 (cited by Labcorp Genetics (formerly Invitae), Labcorp); PubMed 9452056 (cited by Labcorp Genetics (formerly Invitae), Labcorp); PubMed 28780565 (cited by Labcorp Genetics (formerly Invitae), Labcorp).